The following is an entry in ClinVar:

ClinVar aggregate classification (germline): Uncertain significance (1 of 4 stars; one submission).
ClinVar aggregate classification (somatic clinical impact): Tier II - Potential (1 of 4 stars; one submission).

Conditions:
Hereditary cancer-predisposing syndrome. Also called: Neoplastic Syndromes, Hereditary; Tumor predisposition; Hereditary neoplastic syndrome; Hereditary Cancer Syndrome. Identifiers: Orphanet 140162, MedGen C0027672, MeSH D009386, MONDO:0015356.
Adenocarcinoma of the large intestine. Identifiers: MedGen C1319315, MONDO:0005008, HP:0040275.

Submissions (2):

Institute for Genomic Medicine (IGM) Clinical Laboratory, Nationwide Children's Hospital
Classification: Tier II - Potential for Adenocarcinoma of the large intestine. Assertion type: diagnostic. Clinical significance: supports diagnosis. Last evaluated: 2024-04-09. Review status: criteria provided, single submitter. Criteria: AMP/ASCO/CAP Guidelines, 2017. Collection method: clinical testing. Allele origin: somatic. Affected: yes.
Comment: Variant has Tier II (potential) clinical significance as a diagnostic inclusion criterion in colorectal adenocarcinoma, based on the following evidence: 1) Appears in one or more well-established professional guidelines (e.g., World Health Organization [WHO]; National Comprehensive Cancer Network [NCCN]) as providing diagnostic, prognostic, or therapeutic information. 2) Diagnostic significance based on multiple small studies (Evidence Level C; PMIDs: 23447401, 22810696).

Ambry Genetics
Classification: Uncertain significance for Hereditary cancer-predisposing syndrome. Last evaluated: 2023-11-02. Review status: criteria provided, single submitter. Criteria: Ambry Variant Classification Scheme 2023. Collection method: clinical testing. Allele origin: germline.
Comment: The p.Q2217H variant (also known as c.6651G>T), located in coding exon 47 of the POLE gene, results from a G to T substitution at nucleotide position 6651. The glutamine at codon 2217 is replaced by histidine, an amino acid with highly similar properties. This amino acid position is conserved. In addition, the in silico prediction for this alteration is inconclusive. Since supporting evidence is limited at this time, the clinical significance of this alteration remains unclear.

Literature cited by the submitters: PubMed 23447401 (cited by Institute for Genomic Medicine (IGM) Clinical Laboratory, Nationwide Children's Hospital); PubMed 22810696 (cited by Institute for Genomic Medicine (IGM) Clinical Laboratory, Nationwide Children's Hospital).

NM_006231.4(POLE):c.6651G>T (p.Gln2217His)

Gene: POLE (DNA polymerase epsilon, catalytic subunit; minus strand). Cytogenetic location: 12q24.33.
Variant type: single nucleotide variant.
Coding change: c.6651G>T on transcript NM_006231.4 (MANE Select); coding-DNA position 6651, G replaced by T.
Protein change: p.Gln2217His; replaces glutamine 2217 with histidine.
Molecular consequence: missense variant.
Genome position (GRCh38, 1-based): chr12:132,625,651, C>A on the plus strand (G>T on the coding strand, the complement: POLE is on the minus strand). VCF-style: chr12-132625651-C-A. GRCh37 (hg19) VCF-style: chr12-133202237-C-A.
Other names: short protein forms Q2217H.
Identifiers: ClinVar variation 3225504 (VCV003225504.2), dbSNP rs1593696233, ClinGen allele CA387366415.
Genomic context (GRCh38, chr12:132,625,651, plus strand): 5'-AGAAACCCCCCTGTGGACTCCAGGGCACACGGGCAGGCGGCATGCACGACTCACCAGGTC[C>A]TGCAGGGTGAAGGCCATCAGCTTCTTCTGTAGAACTTCCACCAGCGTCATCTCGATGGCA-3'
Protein context (NP_006222.2, residues 2207-2227): LQKKLMAFTL[Gln2217His]DLVCLKCRGV